The following is an entry in ClinVar:

ClinVar aggregate classification (germline): Uncertain significance. Review status: criteria provided, multiple submitters, no conflicts (2 of 4 stars). 2 submissions from 2 submitters: Uncertain significance (2). Last evaluated 2022-05-27.

Allele frequency attached by ClinVar (database versions not stated): TOPMed 0.00001; gnomAD exomes 0.00002; ExAC 0.00003; gnomAD 0.00003; 1000 Genomes Project 30x 0.00016; 1000 Genomes Project 0.00020.
gnomAD v4.1: 40 of 1,614,190 alleles (0.0025%); highest among the groups gnomAD compares: South Asian, 0.029%; 1 homozygote.

Submissions (2):

Labcorp Genetics (formerly Invitae), Labcorp
Classification: Uncertain significance. Last evaluated: 2022-05-27. Review status: criteria provided, single submitter. Criteria: Invitae Variant Classification Sherloc (09022015). Collection method: clinical testing. Allele origin: germline.
Comment: This sequence change replaces arginine, which is basic and polar, with glutamine, which is neutral and polar, at codon 436 of the CEP250 protein (p.Arg436Gln). This variant is present in population databases (rs200183326, gnomAD 0.02%). This variant has not been reported in the literature in individuals affected with CEP250-related conditions. Algorithms developed to predict the effect of missense changes on protein structure and function output the following: SIFT: "Not Available"; PolyPhen-2: "Benign"; Align-GVGD: "Not Available". The glutamine amino acid residue is found in multiple mammalian species, which suggests that this missense change does not adversely affect protein function. In summary, the available evidence is currently insufficient to determine the role of this variant in disease. Therefore, it has been classified as a Variant of Uncertain Significance.

Blueprint Genetics
Classification: Uncertain significance. Last evaluated: 2020-11-30. Review status: criteria provided, single submitter. Criteria: ACMG Guidelines, 2015. Collection method: clinical testing. Allele origin: germline.

NM_007186.6(CEP250):c.1307G>A (p.Arg436Gln)

Genes: CEP250 (centrosomal protein 250; plus strand), CEP250-AS1 (CEP250 antisense RNA 1; minus strand). Cytogenetic location: 20q11.22.
Variant type: single nucleotide variant.
Coding change: c.1307G>A on transcript NM_007186.6 (MANE Select); coding-DNA position 1307, G replaced by A.
Protein change: p.Arg436Gln; replaces arginine 436 with glutamine.
Molecular consequence: missense variant. On other transcripts: 5 prime UTR variant (1).
Genome position (GRCh38, 1-based): chr20:35,473,471, G>A. VCF-style: chr20-35473471-G-A. GRCh37 (hg19) VCF-style: chr20-34061296-G-A.
Other names: c.-593G>A (NM_001318219.1); short protein forms R436Q.
Identifiers: ClinVar variation 2186325 (VCV002186325.2), dbSNP rs200183326, ClinGen allele CA9832881.